The following is an entry in ClinVar:

NM_020208.4(SLC6A20):c.596C>T (p.Thr199Met)

Gene: SLC6A20 (solute carrier family 6 member 20; minus strand). Cytogenetic location: 3p21.31.
Variant type: single nucleotide variant.
Coding change: c.596C>T on transcript NM_020208.4 (MANE Select); coding-DNA position 596, C replaced by T.
Protein change: p.Thr199Met; replaces threonine 199 with methionine.
Molecular consequence: missense variant. On other transcripts: intron variant (1).
Genome position (GRCh38, 1-based): chr3:45,772,602, G>A on the plus strand (C>T on the coding strand, the complement: SLC6A20 is on the minus strand). VCF-style: chr3-45772602-G-A. GRCh37 (hg19) VCF-style: chr3-45814094-G-A.
Other names: c.583-1144C>T (NM_022405.4); short protein forms T199M.
Identifiers: ClinVar variation 4845 (VCV000004845.12), dbSNP rs17279437, ClinGen allele CA117101.

ClinVar aggregate classification (germline): Benign. Review status: criteria provided, multiple submitters, no conflicts (2 of 4 stars). 6 submissions from 6 submitters: Benign (4). 2 of the submissions do not count toward it. Last evaluated 2021-05-05.

Conditions:
Hyperglycinuria. Also called: GLYCINURIA WITH OR WITHOUT OXALATE NEPHROLITHIASIS; GLYCINURIA WITH OR WITHOUT OXALATE UROLITHIASIS; IMINOGLYCINURIA TYPE II. Identifiers: MedGen C0543541, MONDO:0007677, OMIM 138500, HP:0003108.
SLC6A20-related disorder. Also called: SLC6A20-related condition.

Allele frequency attached by ClinVar (database versions not stated): 1000 Genomes Project 30x 0.03310; 1000 Genomes Project 0.03315; TOPMed 0.05965; gnomAD 0.06615 and 0.06722; gnomAD exomes 0.07170 and 0.09234; ESP Exome Variant Server 0.07324; ExAC 0.07515.

Submissions (6):

GeneDx
Classification: Benign. Last evaluated: 2021-05-05. Review status: criteria provided, single submitter. Criteria: GeneDx Variant Classification Process June 2021. Collection method: clinical testing. Allele origin: germline. Affected: yes.
Comment: This variant is associated with the following publications: (PMID: 19033659, 21572414)

Mendelics
Classification: Benign for Hyperglycinuria. Last evaluated: 2019-05-28. Review status: criteria provided, single submitter. Criteria: Mendelics Assertion Criteria 2017. Collection method: clinical testing. Allele origin: unknown.

Illumina Laboratory Services, Illumina
Classification: Benign for Hyperglycinuria. Last evaluated: 2018-03-06. Review status: criteria provided, single submitter. Criteria: ICSL Variant Classification Criteria 13 December 2019. Collection method: clinical testing. Allele origin: germline.
Comment: This variant was observed in the ICSL laboratory as part of a predisposition screen in an ostensibly healthy population. It had not been previously curated by ICSL or reported in the Human Gene Mutation Database (HGMD: prior to June 1st, 2018), and was therefore a candidate for classification through an automated scoring system. Utilizing variant allele frequency, disease prevalence and penetrance estimates, and inheritance mode, an automated score was calculated to assess if this variant is too frequent to cause the disease. Based on the score and internal cut-off values, a variant classified as benign is not then subjected to further curation. The score for this variant resulted in a classification of benign for this disease.

Breakthrough Genomics
Classification: Benign. Review status: criteria provided, single submitter. Criteria: ACMG Guidelines, 2015. Collection method: not provided. Allele origin: germline. Inheritance: Autosomal recessive inheritance. Affected: yes.

PreventionGenetics, part of Exact Sciences
Classification: Benign for SLC6A20-related condition. Last evaluated: 2019-12-04. Review status: no assertion criteria provided. Collection method: clinical testing. Allele origin: germline. Not counted in ClinVar's aggregate classification.
Comment: This variant is classified as benign based on ACMG/AMP sequence variant interpretation guidelines (Richards et al. 2015 PMID: 25741868, with internal and published modifications).

OMIM
Classification: Affects for RECLASSIFIED - SLC6A20 POLYMORPHISM. Last evaluated: 2008-12-01. Review status: no assertion criteria provided. Collection method: literature only. Allele origin: germline. Not counted in ClinVar's aggregate classification.

Literature cited by the submitters: Hamosh, A. Personal Communication. 2023. Baltimore, Md. (cited by OMIM); PubMed 19033659 (cited by OMIM).